The following is an entry in ClinVar:

ClinVar aggregate classification (germline): Uncertain significance (1 of 4 stars; one submission).

Conditions:
Hereditary cancer-predisposing syndrome. Also called: Tumor predisposition; Hereditary Cancer Syndrome; Hereditary neoplastic syndrome; Neoplastic Syndromes, Hereditary. Identifiers: Orphanet 140162, MedGen C0027672, MeSH D009386, MONDO:0015356.

gnomAD v4.1: 1 of 1,614,192 alleles (0.000062%); highest among the groups gnomAD compares: Non-Finnish European, 0.000085%; no homozygotes.

Submission:

Ambry Genetics
Classification: Uncertain significance for Hereditary cancer-predisposing syndrome. Last evaluated: 2024-06-22. Review status: criteria provided, single submitter. Criteria: Ambry Variant Classification Scheme 2023. Collection method: clinical testing. Allele origin: germline.
Comment: The p.K1082N variant (also known as c.3246G>C), located in coding exon 20 of the ALK gene, results from a G to C substitution at nucleotide position 3246. The lysine at codon 1082 is replaced by asparagine, an amino acid with similar properties. This amino acid position is conserved. In addition, this alteration is predicted to be tolerated by in silico analysis. Based on the available evidence, the clinical significance of this variant remains unclear.

NM_004304.5(ALK):c.3246G>C (p.Lys1082Asn)

Gene: ALK (ALK receptor tyrosine kinase; minus strand). Cytogenetic location: 2p23.2.
Variant type: single nucleotide variant.
Coding change: c.3246G>C on transcript NM_004304.5 (MANE Select); coding-DNA position 3246, G replaced by C.
Protein change: p.Lys1082Asn; replaces lysine 1082 with asparagine.
Molecular consequence: missense variant.
Genome position (GRCh38, 1-based): chr2:29,223,455, C>G on the plus strand (G>C on the coding strand, the complement: ALK is on the minus strand). VCF-style: chr2-29223455-C-G. GRCh37 (hg19) VCF-style: chr2-29446321-C-G.
Other names: c.42G>C, p.Lys14Asn (NM_001353765.2); short protein forms K1082N, K14N.
Identifiers: ClinVar variation 3286574 (VCV003286574.1).